The following is an entry in ClinVar:

ClinVar aggregate classification (germline): Likely benign. Review status: reviewed by expert panel (3 of 4 stars). 6 submissions from 6 submitters: Likely benign (1). 5 of the submissions do not count toward it. Last evaluated 2017-06-29.

Conditions:
Hereditary breast ovarian cancer syndrome. Also called: Hereditary breast and ovarian cancer syndrome (HBOC); BRCA1- and BRCA2-Associated Hereditary Breast and Ovarian Cancer; Hereditary breast and/or ovarian cancer syndrome; Hereditary breast and ovarian cancer syndrome; Hereditary breast and ovarian cancer; Breast and ovarian cancer. Identifiers: Orphanet 145, MedGen C0677776, MeSH D061325, MONDO:0003582. Disease mechanism: loss of function.
Hereditary cancer-predisposing syndrome. Also called: Neoplastic Syndromes, Hereditary; Hereditary neoplastic syndrome; Tumor predisposition; Hereditary Cancer Syndrome. Identifiers: Orphanet 140162, MedGen C0027672, MeSH D009386, MONDO:0015356.
Breast-ovarian cancer, familial, susceptibility to, 1 (BROVCA1). Also called: BRCA1 Hereditary Breast and Ovarian Cancer; OVARIAN CANCER, SUSCEPTIBILITY TO. Identifiers: Orphanet 145, MedGen C2676676, MONDO:0011450, OMIM 604370. Disease mechanism: loss of function.

Allele frequency attached by ClinVar (database versions not stated): ExAC 0.00001; gnomAD exomes 0.00002.
gnomAD v4.1: 3 of 1,613,508 alleles (0.00019%); highest among the groups gnomAD compares: East Asian, 0.0067%; no homozygotes.

Submissions (6):

Evidence-based Network for the Interpretation of Germline Mutant Alleles (ENIGMA)
Classification: Likely benign for Breast-ovarian cancer, familial, susceptibility to, 1. Last evaluated: 2017-06-29. Review status: reviewed by expert panel. Criteria: ENIGMA BRCA1/2 Classification Criteria (2017-06-29). Collection method: curation. Allele origin: germline.
Comment: Synonymous substitution variant, with low bioinformatic likelihood to result in a splicing aberration (Splicing prior probability 0.02).

Labcorp Genetics (formerly Invitae), Labcorp
Classification: Likely benign for Hereditary breast ovarian cancer syndrome. Last evaluated: 2025-09-12. Review status: criteria provided, single submitter. Criteria: Invitae Variant Classification Sherloc (09022015). Collection method: clinical testing. Allele origin: germline. Not counted in ClinVar's aggregate classification.

All of Us Research Program, National Institutes of Health
Classification: Likely benign for Breast-ovarian cancer, familial, susceptibility to, 1. Last evaluated: 2023-12-13. Review status: criteria provided, single submitter. Criteria: ACMG Guidelines, 2015. Collection method: clinical testing. Allele origin: germline. Inheritance: Autosomal dominant inheritance. Observed: 1 variant allele, 1 heterozygote. Not counted in ClinVar's aggregate classification.
Comment: This study involves interpretation of variants in research participants for the purpose of population health screening. Participant phenotype was not available at the time of variant classification. Additional details can be found in publication PMID: 35346344, PMCID: PMC8962531

Color Diagnostics, LLC DBA Color Health
Classification: Likely benign for Hereditary cancer-predisposing syndrome. Last evaluated: 2022-11-16. Review status: criteria provided, single submitter. Criteria: ACMG Guidelines, 2015. Collection method: clinical testing. Allele origin: germline. Not counted in ClinVar's aggregate classification.

Women's Health and Genetics/Laboratory Corporation of America, LabCorp
Classification: Likely benign. Last evaluated: 2019-08-21. Review status: criteria provided, single submitter. Criteria: LabCorp Variant Classification Summary - May 2015. Collection method: clinical testing. Allele origin: germline. Not counted in ClinVar's aggregate classification.

Ambry Genetics
Classification: Likely benign for Hereditary cancer-predisposing syndrome. Last evaluated: 2015-12-23. Review status: criteria provided, single submitter. Criteria: Ambry Variant Classification Scheme 2023. Collection method: clinical testing. Allele origin: germline. Not counted in ClinVar's aggregate classification.

NM_007294.4(BRCA1):c.4050C>T (p.Gly1350=)

Genes: BRCA1 (BRCA1 DNA repair associated; minus strand), LOC126862571 (BRD4-independent group 4 enhancer GRCh37_chr17:41243136-41244335; plus strand). Cytogenetic location: 17q21.31.
Variant type: single nucleotide variant.
Coding change: c.4050C>T on transcript NM_007294.4 (MANE Select); coding-DNA position 4050, C replaced by T.
Protein change: p.Gly1350=; no amino-acid change (glycine 1350 retained).
Molecular consequence: synonymous variant. On other transcripts: intron variant (135).
Genome position (GRCh38, 1-based): chr17:43,091,481, G>A on the plus strand (C>T on the coding strand, the complement: BRCA1 is on the minus strand). VCF-style: chr17-43091481-G-A. GRCh37 (hg19) VCF-style: chr17-41243498-G-A.
Other names: c.3840C>T, p.Gly1280= (NM_001407879.1, NM_001407881.1, NM_001407882.1 and 13 more transcripts); c.3837C>T, p.Gly1279= (NM_001407894.1, NM_001407895.1, NM_001407896.1 and 9 more transcripts); c.3927C>T, p.Gly1309= (NM_001407919.1, NM_001407937.1, NM_001407938.1 and 19 more transcripts); c.3786C>T, p.Gly1262= (NM_001407920.1, NM_001407921.1, NM_001407922.1 and 9 more transcripts); c.3783C>T, p.Gly1261= (NM_001407930.1, NM_001407931.1, NM_001407932.1 and 2 more transcripts); c.3924C>T, p.Gly1308= (NM_001407940.1, NM_001407941.1, NM_001407649.1 and 11 more transcripts); c.3909C>T, p.Gly1303= (NM_001407942.1, NM_001407944.1, NM_001407945.1 and 29 more transcripts); c.3906C>T, p.Gly1302= (NM_001407943.1, NM_001407964.1, NM_001407740.1 and 20 more transcripts); and 41 more.
Identifiers: ClinVar variation 427308 (VCV000427308.26), dbSNP rs779507799, ClinGen allele CA059008.